The following is an entry in ClinVar:

ClinVar aggregate classification (germline): Uncertain significance. Review status: criteria provided, multiple submitters, no conflicts (2 of 4 stars). 4 submissions from 4 submitters: Uncertain significance (3). 1 of the submissions does not count toward it. Last evaluated 2025-08-22.

Conditions:
Primary ciliary dyskinesia. Also called: Ciliary dyskinesia. Identifiers: Orphanet 244, MedGen C0008780, MONDO:0016575, HP:0012265.

Allele frequency attached by ClinVar (database versions not stated): TOPMed 0.00002; ExAC 0.00005; 1000 Genomes Project 30x 0.00016; 1000 Genomes Project 0.00020.
gnomAD v4.1: 57 of 1,614,056 alleles (0.0035%); highest among the groups gnomAD compares: South Asian, 0.0088%; no homozygotes.

Submissions (4):

Ambry Genetics
Classification: Uncertain significance for Primary ciliary dyskinesia. Last evaluated: 2025-08-22. Review status: criteria provided, single submitter. Criteria: Ambry Variant Classification Scheme 2023. Collection method: clinical testing. Allele origin: germline.

Blueprint Genetics
Classification: Uncertain significance. Last evaluated: 2024-09-17. Review status: criteria provided, single submitter. Criteria: ACMG Guidelines, 2015. Collection method: clinical testing. Allele origin: germline.

Labcorp Genetics (formerly Invitae), Labcorp
Classification: Uncertain significance for Primary ciliary dyskinesia. Last evaluated: 2024-02-25. Review status: criteria provided, single submitter. Criteria: Invitae Variant Classification Sherloc (09022015). Collection method: clinical testing. Allele origin: germline.
Comment: This sequence change replaces valine, which is neutral and non-polar, with methionine, which is neutral and non-polar, at codon 418 of the DNAI2 protein (p.Val418Met). This variant is present in population databases (rs564337753, gnomAD 0.01%). This variant has not been reported in the literature in individuals affected with DNAI2-related conditions. ClinVar contains an entry for this variant (Variation ID: 651046). Advanced modeling of protein sequence and biophysical properties (such as structural, functional, and spatial information, amino acid conservation, physicochemical variation, residue mobility, and thermodynamic stability) performed at Invitae indicates that this missense variant is not expected to disrupt DNAI2 protein function with a negative predictive value of 80%. In summary, the available evidence is currently insufficient to determine the role of this variant in disease. Therefore, it has been classified as a Variant of Uncertain Significance.

Natera, Inc.
Classification: Uncertain significance for Primary ciliary dyskinesia. Last evaluated: 2020-09-13. Review status: no assertion criteria provided. Collection method: clinical testing. Allele origin: germline. Not counted in ClinVar's aggregate classification.

NM_023036.6(DNAI2):c.1252G>A (p.Val418Met)

Gene: DNAI2 (dynein axonemal intermediate chain 2; plus strand). Cytogenetic location: 17q25.1.
Variant type: single nucleotide variant.
Coding change: c.1252G>A on transcript NM_023036.6 (MANE Select); coding-DNA position 1252, G replaced by A.
Protein change: p.Val418Met; replaces valine 418 with methionine.
Molecular consequence: missense variant. On other transcripts: non-coding transcript variant (1).
Genome position (GRCh38, 1-based): chr17:74,309,293, G>A. VCF-style: chr17-74309293-G-A. GRCh37 (hg19) VCF-style: chr17-72305432-G-A.
Other names: c.1252G>A, p.Val418Met (NM_001172810.3, NM_001353167.2); short protein forms V418M.
Identifiers: ClinVar variation 651046 (VCV000651046.11), dbSNP rs564337753, ClinGen allele CA8745675.